The following is an entry in ClinVar:

NM_032638.5(GATA2):c.860G>A (p.Arg287His)

Gene: GATA2 (GATA binding protein 2; minus strand). Cytogenetic location: 3q21.3.
Variant type: single nucleotide variant.
Coding change: c.860G>A on transcript NM_032638.5 (MANE Select); coding-DNA position 860, G replaced by A.
Protein change: p.Arg287His; replaces arginine 287 with histidine.
Molecular consequence: missense variant.
Genome position (GRCh38, 1-based): chr3:128,485,738, C>T on the plus strand (G>A on the coding strand, the complement: GATA2 is on the minus strand). VCF-style: chr3-128485738-C-T. GRCh37 (hg19) VCF-style: chr3-128204581-C-T.
Other names: c.860G>A, p.Arg287His (NM_001145661.2, NM_001145662.1); short protein forms R287H.
Identifiers: ClinVar variation 573204 (VCV000573204.9), dbSNP rs1004873472, ClinGen allele CA83371712.
Genomic context (GRCh38, chr3:128,485,738, plus strand): 5'-AAACGCAAATGCTCCCCTCTTCCACGAAGTCCCCAGCACCTGCCTTTACCTGAACAGGAA[C>T]GAGCCTTGCTGCGCTGCTTAGGGGTGAAGCTGGAGGCCGGTCCCCCCAGGAAGCCTCCGG-3'
Protein context (NP_116027.2, residues 277-297): SFTPKQRSKA[Arg287His]SCSEGRECVN

ClinVar aggregate classification (germline): Uncertain significance. Review status: criteria provided, multiple submitters, no conflicts (2 of 4 stars). 3 submissions from 3 submitters: Uncertain significance (3). Last evaluated 2025-01-15.

Conditions:
Inborn genetic diseases. Identifiers: MedGen C0950123, MeSH D030342.
Hereditary cancer-predisposing syndrome. Also called: Neoplastic Syndromes, Hereditary; Hereditary Cancer Syndrome; Tumor predisposition; Hereditary neoplastic syndrome. Identifiers: Orphanet 140162, MedGen C0027672, MeSH D009386, MONDO:0015356.
Monocytopenia with susceptibility to infections. Also called: MONOCYTOPENIA AND MYCOBACTERIAL INFECTION SYNDROME; MONOCYTOPENIA WITH SUSCEPTIBILITY TO MYCOBACTERIAL, FUNGAL, AND PAPILLOMAVIRUS INFECTIONS AND MYELODYSPLASIA; COMBINED IMMUNODEFICIENCY WITH SUSCEPTIBILITY TO MYCOBACTERIAL, VIRAL, AND FUNGAL INFECTIONS; GATA2 DEFICIENCY; IMMUNODEFICIENCY 21; Dendritic cell, monocyte, B lymphocyte, and natural killer lymphocyte deficiency. Identifiers: Orphanet 228423, MedGen C3280030, MONDO:0013607, OMIM 614172.
Deafness-lymphedema-leukemia syndrome. Also called: Lymphedema, primary, with myelodysplasia; Emberger syndrome. Identifiers: Orphanet 3226, MedGen C3279664, MONDO:0013540, OMIM 614038.

Allele frequency attached by ClinVar (database versions not stated): gnomAD exomes below 0.00001; TOPMed below 0.00001.

Submissions (3):

Ambry Genetics
Classification: Uncertain significance for Inborn genetic diseases. Last evaluated: 2025-01-15. Review status: criteria provided, single submitter. Criteria: Ambry Variant Classification Scheme 2023. Collection method: clinical testing. Allele origin: germline.
Comment: The p.R287H variant (also known as c.860G>A), located in coding exon 2 of the GATA2 gene, results from a G to A substitution at nucleotide position 860. The arginine at codon 287 is replaced by histidine, an amino acid with highly similar properties. This amino acid position is highly conserved in available vertebrate species. In addition, this alteration is predicted to be deleterious by in silico analysis. Based on the available evidence, the clinical significance of this variant remains unclear.

Labcorp Genetics (formerly Invitae), Labcorp
Classification: Uncertain significance for Monocytopenia with susceptibility to infections; Deafness-lymphedema-leukemia syndrome. Last evaluated: 2024-07-08. Review status: criteria provided, single submitter. Criteria: Invitae Variant Classification Sherloc (09022015). Collection method: clinical testing. Allele origin: germline.
Comment: This sequence change replaces arginine, which is basic and polar, with histidine, which is basic and polar, at codon 287 of the GATA2 protein (p.Arg287His). This variant is not present in population databases (gnomAD no frequency). This variant has not been reported in the literature in individuals affected with GATA2-related conditions. ClinVar contains an entry for this variant (Variation ID: 573204). Advanced modeling of protein sequence and biophysical properties (such as structural, functional, and spatial information, amino acid conservation, physicochemical variation, residue mobility, and thermodynamic stability) has been performed at Invitae for this missense variant, however the output from this modeling did not meet the statistical confidence thresholds required to predict the impact of this variant on GATA2 protein function. In summary, the available evidence is currently insufficient to determine the role of this variant in disease. Therefore, it has been classified as a Variant of Uncertain Significance.

Sema4
Classification: Uncertain significance for Hereditary cancer-predisposing syndrome. Last evaluated: 2021-09-24. Review status: criteria provided, single submitter. Criteria: Sema4 Curation Guidelines. Collection method: curation. Allele origin: germline.
Comment: The GATA2 c.860G>A (p.R287H) variant has not been reported in the literature to our knowledge. This variant is not reported in the Genome Aggregation Database (PMID: 32461654). The variant has been reported in ClinVar (Variation ID: 573204). In silico tools suggest the impact of the variant on protein function is deleterious, though these predictions have not been confirmed by functional studies. The evidence is insufficient to meet ACMG/AMP criteria for classifying the variant as benign or pathogenic. Thus, the clinical significance of this variant is currently uncertain.